The following is an entry in ClinVar:

NM_020937.4(FANCM):c.160G>C (p.Asp54His)

Gene: FANCM (FA complementation group M; plus strand). Cytogenetic location: 14q21.2.
Variant type: single nucleotide variant.
Coding change: c.160G>C on transcript NM_020937.4 (MANE Select); coding-DNA position 160, G replaced by C.
Protein change: p.Asp54His; replaces aspartic acid 54 with histidine.
Molecular consequence: missense variant.
Genome position (GRCh38, 1-based): chr14:45,136,191, G>C. VCF-style: chr14-45136191-G-C. GRCh37 (hg19) VCF-style: chr14-45605394-G-C.
Other names: c.160G>C, p.Asp54His (NM_001308133.2, NM_001308134.2); short protein forms D54H.
Identifiers: ClinVar variation 2748982 (VCV002748982.3), dbSNP rs2139100721, ClinGen allele CA389587208.

ClinVar aggregate classification (germline): Uncertain significance (1 of 4 stars; one submission).

Conditions:
Fanconi anemia (FA). Also called: Fanconi's anemia. Identifiers: Orphanet 84, MedGen C0015625, MeSH D005199, MONDO:0019391.

Submission:

Labcorp Genetics (formerly Invitae), Labcorp
Classification: Uncertain significance for Fanconi anemia. Last evaluated: 2023-03-24. Review status: criteria provided, single submitter. Criteria: Invitae Variant Classification Sherloc (09022015). Collection method: clinical testing. Allele origin: germline.
Comment: In summary, the available evidence is currently insufficient to determine the role of this variant in disease. Therefore, it has been classified as a Variant of Uncertain Significance. This sequence change replaces aspartic acid, which is acidic and polar, with histidine, which is basic and polar, at codon 54 of the FANCM protein (p.Asp54His). This variant is not present in population databases (gnomAD no frequency). This variant has not been reported in the literature in individuals affected with FANCM-related conditions. An algorithm developed to predict the effect of missense changes on protein structure and function (PolyPhen-2) suggests that this variant is likely to be disruptive.